The following is an entry in ClinVar:

NM_001099274.3(TINF2):c.1222-3C>A

Gene: TINF2 (TERF1 interacting nuclear factor 2; minus strand). Cytogenetic location: 14q12.
Variant type: single nucleotide variant.
Coding change: c.1222-3C>A on transcript NM_001099274.3 (MANE Select); 3 bases into the intron before coding-DNA position 1222, C replaced by A.
Molecular consequence: intron variant. On other transcripts: 3 prime UTR variant (1).
Genome position (GRCh38, 1-based): chr14:24,239,934, G>T on the plus strand (C>A on the coding strand, the complement: TINF2 is on the minus strand). VCF-style: chr14-24239934-G-T. GRCh37 (hg19) VCF-style: chr14-24709140-G-T.
Other names: c.1117-3C>A (NM_001363668.2); c.*481C>A (NM_012461.3).
Identifiers: ClinVar variation 1488329 (VCV001488329.6), dbSNP rs760553298, ClinGen allele CA7130436.
Genomic context (GRCh38, chr14:24,239,934, plus strand): 5'-CACAGAGAGTGGGTATCAAGGTGTCAAACTTTGTCTTCTGATAGTTTTCCAGAGATTCCT[G>T]TAGAGAAGGGAGCAGGGAGAGCCTACTATCCGAAACCATTCCCTGAACCCTCTGAATTCT-3'

ClinVar aggregate classification (germline): Uncertain significance (1 of 4 stars; one submission).

Conditions:
Dyskeratosis congenita. Identifiers: Orphanet 1775, MedGen C0265965, MONDO:0015780.

Allele frequency attached by ClinVar (database versions not stated): gnomAD exomes 0.00002; ExAC 0.00003.
gnomAD v4.1: 19 of 1,614,158 alleles (0.0012%); highest among the groups gnomAD compares: South Asian, 0.02%; no homozygotes.

Submission:

Labcorp Genetics (formerly Invitae), Labcorp
Classification: Uncertain significance for Dyskeratosis congenita. Last evaluated: 2022-11-29. Review status: criteria provided, single submitter. Criteria: Invitae Variant Classification Sherloc (09022015). Collection method: clinical testing. Allele origin: germline.
Comment: In summary, the available evidence is currently insufficient to determine the role of this variant in disease. Therefore, it has been classified as a Variant of Uncertain Significance. Variants that disrupt the consensus splice site are a relatively common cause of aberrant splicing (PMID: 17576681, 9536098). Algorithms developed to predict the effect of sequence changes on RNA splicing suggest that this variant may disrupt the consensus splice site. ClinVar contains an entry for this variant (Variation ID: 1488329). This variant has not been reported in the literature in individuals affected with TINF2-related conditions. This variant is present in population databases (rs760553298, gnomAD 0.02%). This sequence change falls in intron 8 of the TINF2 gene. It does not directly change the encoded amino acid sequence of the TINF2 protein. It affects a nucleotide within the consensus splice site.

Literature cited by the submitters: PubMed 17576681; PubMed 9536098.